The following is an entry in ClinVar:

ClinVar aggregate classification (germline): Uncertain significance. Review status: criteria provided, multiple submitters, no conflicts (2 of 4 stars). 4 submissions from 2 submitters: Uncertain significance (4). Last evaluated 2024-03-11.

Conditions:
Neuropathy, hereditary sensory and autonomic, type 2A (HSAN2A). Also called: MORVAN DISEASE; NEUROPATHY, CONGENITAL SENSORY; NEUROPATHY, HEREDITARY SENSORY RADICULAR, AUTOSOMAL RECESSIVE; NEUROPATHY, HEREDITARY SENSORY, TYPE IIA; NEUROPATHY, PROGRESSIVE SENSORY, OF CHILDREN; HSAN IIA. Identifiers: Orphanet 970, MedGen C2752089, MONDO:0024309, OMIM 201300.
Generalized epilepsy with febrile seizures plus, type 7 (GEFSP7). Also called: GEFS+, TYPE 7. Identifiers: Orphanet 36387, MedGen C2751778, MONDO:0013470, OMIM 613863.
Paroxysmal extreme pain disorder (PEXPD). Also called: PAIN, SUBMANDIBULAR, OCULAR, AND RECTAL, WITH FLUSHING; RECTAL PAIN, FAMILIAL; SCN9A Paroxysmal Extreme Pain Disorder (SCN9A-PEPD). Identifiers: Orphanet 46348, MedGen C1833661, MONDO:0008179, OMIM 167400.
Channelopathy-associated congenital insensitivity to pain, autosomal recessive. Also called: Insensitivity to pain, channelopathy-associated; ASYMBOLIA FOR PAIN; CONGENITAL ANALGESIA, AUTOSOMAL RECESSIVE. Identifiers: Orphanet 88642, Orphanet 970, MedGen C1855739, MONDO:0009459, OMIM 243000.
Primary erythromelalgia. Also called: SCN9A Erythromelalgia (SCN9A-EM); primary erythermalgia. Identifiers: Orphanet 306577, Orphanet 90026, MedGen C0014805, MONDO:0007571, OMIM 133020.

Allele frequency attached by ClinVar (database versions not stated): TOPMed below 0.00001.

Submissions (4):

Labcorp Genetics (formerly Invitae), Labcorp
Classification: Uncertain significance for Neuropathy, hereditary sensory and autonomic, type 2A; Generalized epilepsy with febrile seizures plus, type 7. Last evaluated: 2024-03-11. Review status: criteria provided, single submitter. Criteria: Invitae Variant Classification Sherloc (09022015). Collection method: clinical testing. Allele origin: germline.
Comment: This sequence change replaces arginine, which is basic and polar, with cysteine, which is neutral and slightly polar, at codon 1356 of the SCN9A protein (p.Arg1356Cys). This variant is not present in population databases (gnomAD no frequency). This variant has not been reported in the literature in individuals affected with SCN9A-related conditions. ClinVar contains an entry for this variant (Variation ID: 892645). Advanced modeling of protein sequence and biophysical properties (such as structural, functional, and spatial information, amino acid conservation, physicochemical variation, residue mobility, and thermodynamic stability) performed at Invitae indicates that this missense variant is not expected to disrupt SCN9A protein function with a negative predictive value of 95%. In summary, the available evidence is currently insufficient to determine the role of this variant in disease. Therefore, it has been classified as a Variant of Uncertain Significance.

Illumina Laboratory Services, Illumina
Classification: Uncertain significance for Primary erythromelalgia. Last evaluated: 2018-01-13. Review status: criteria provided, single submitter. Criteria: ICSL Variant Classification Criteria 13 December 2019. Collection method: clinical testing. Allele origin: germline.

Illumina Laboratory Services, Illumina
Classification: Uncertain significance for Channelopathy-associated congenital insensitivity to pain, autosomal recessive. Last evaluated: 2018-01-13. Review status: criteria provided, single submitter. Criteria: ICSL Variant Classification Criteria 13 December 2019. Collection method: clinical testing. Allele origin: germline.

Illumina Laboratory Services, Illumina
Classification: Uncertain significance for Paroxysmal extreme pain disorder. Last evaluated: 2018-01-13. Review status: criteria provided, single submitter. Criteria: ICSL Variant Classification Criteria 13 December 2019. Collection method: clinical testing. Allele origin: germline.

NM_001365536.1(SCN9A):c.4099C>T (p.Arg1367Cys)

Genes: SCN1A-AS1 (SCN1A and SCN9A antisense RNA 1; plus strand), SCN9A (sodium voltage-gated channel alpha subunit 9; minus strand). Cytogenetic location: 2q24.3.
Variant type: single nucleotide variant.
Coding change: c.4099C>T on transcript NM_001365536.1 (MANE Select); coding-DNA position 4099, C replaced by T.
Protein change: p.Arg1367Cys; replaces arginine 1367 with cysteine.
Molecular consequence: missense variant.
Genome position (GRCh38, 1-based): chr2:166,228,798, G>A on the plus strand (C>T on the coding strand, the complement: SCN9A is on the minus strand). VCF-style: chr2-166228798-G-A. GRCh37 (hg19) VCF-style: chr2-167085308-G-A.
Other names: c.4066C>T, p.Arg1356Cys (NM_002977.4); short protein forms R1367C, R1356C.
Identifiers: ClinVar variation 892645 (VCV000892645.11), dbSNP rs866428752, ClinGen allele CA59810279.